The following is an entry in ClinVar:

ClinVar aggregate classification (germline): Likely benign. Review status: criteria provided, single submitter (1 of 4 stars). 2 submissions from 2 submitters: Likely benign (1). 1 of the submissions does not count toward it. Last evaluated 2024-10-02.

Conditions:
GAS8-related disorder. Also called: GAS8-related condition.

Allele frequency attached by ClinVar (database versions not stated): 1000 Genomes Project 30x 0.00016; 1000 Genomes Project 0.00020; ExAC 0.00073; gnomAD 0.00087; ESP Exome Variant Server 0.00092; TOPMed 0.00096; gnomAD exomes 0.00144.
gnomAD v4.1: 2,193 of 1,603,544 alleles (0.14%); highest among the groups gnomAD compares: Non-Finnish European, 0.18%; 1 homozygote.

Submissions (2):

Blueprint Genetics
Classification: Likely benign. Last evaluated: 2024-10-02. Review status: criteria provided, single submitter. Criteria: ACMG Guidelines, 2015. Collection method: clinical testing. Allele origin: germline.

PreventionGenetics, part of Exact Sciences
Classification: Likely benign for GAS8-related condition. Last evaluated: 2019-07-31. Review status: no assertion criteria provided. Collection method: clinical testing. Allele origin: germline. Not counted in ClinVar's aggregate classification.
Comment: This variant is classified as likely benign based on ACMG/AMP sequence variant interpretation guidelines (Richards et al. 2015 PMID: 25741868, with internal and published modifications).

NM_001481.3(DRC4):c.*8C>G

Gene: DRC4 (dynein regulatory complex subunit 4; plus strand). Cytogenetic location: 16q24.3.
Variant type: single nucleotide variant.
Coding change: c.*8C>G on transcript NM_001481.3 (MANE Select); 8 bases downstream of the stop codon, C replaced by G.
Molecular consequence: 3 prime UTR variant. On other transcripts: non-coding transcript variant (1).
Genome position (GRCh38, 1-based): chr16:90,043,353, C>G. VCF-style: chr16-90043353-C-G. GRCh37 (hg19) VCF-style: chr16-90109761-C-G.
Other names: c.*8C>G (NM_001286205.2, NM_001286208.2, NM_001286209.2).
Identifiers: ClinVar variation 3035117 (VCV003035117.3), dbSNP rs200414529, ClinGen allele CA8258278.